The following is an entry in ClinVar:

NM_000487.6(ARSA):c.707G>A (p.Ser236Asn)

Gene: ARSA (arylsulfatase A; minus strand). Cytogenetic location: 22q13.33.
Variant type: single nucleotide variant.
Coding change: c.707G>A on transcript NM_000487.6 (MANE Select); coding-DNA position 707, G replaced by A.
Protein change: p.Ser236Asn; replaces serine 236 with asparagine.
Molecular consequence: missense variant.
Genome position (GRCh38, 1-based): chr22:50,626,738, C>T on the plus strand (G>A on the coding strand, the complement: ARSA is on the minus strand). VCF-style: chr22-50626738-C-T. GRCh37 (hg19) VCF-style: chr22-51065166-C-T.
Other names: NP_000478.3:p.(Ser236Asn); c.707G>A, p.Ser236Asn (NM_001085425.3, NM_001085426.3, NM_001085427.3); c.449G>A, p.Ser150Asn (NM_001085428.3, NM_001362782.2); short protein forms S150N, S236N.
Identifiers: ClinVar variation 4850944 (VCV004850944.2).

ClinVar aggregate classification (germline): Uncertain significance (1 of 4 stars; one submission).

Conditions:
Metachromatic leukodystrophy (MLD). Also called: ARSA DEFICIENCY; CEREBROSIDE SULFATASE DEFICIENCY; METACHROMATIC LEUKOENCEPHALOPATHY; Cerebral sclerosis diffuse metachromatic form; Arylsulfatase A Deficiency; SULFATIDE LIPIDOSIS. Identifiers: Orphanet 512, MedGen C0023522, MONDO:0018868, OMIM 250100.

Submission:

Laboratory of Experimental Gene Therapy of Hereditary Metabolic Diseases, Research Centre for Medical Genetics
Classification: Uncertain significance for Metachromatic leukodystrophy. Last evaluated: 2026-09-17. Review status: criteria provided, single submitter. Criteria: ARSA MLD Assertion Criteria V2 2026 09 18. Collection method: clinical testing. Allele origin: germline. Inheritance: Autosomal recessive inheritance. Observed: 1 variant allele, 1 compound heterozygote.
Comment: Reassessed under ACMG/AMP 2015 with ClinGen SVI refinements and a Bayesian point framework (supporting=1, moderate=2, strong=4, very strong=8; 6-9 points=likely pathogenic; >=10 points=pathogenic). Final score: 1. Evidence applied: PM2_Supporting. Observations from the present referral series were excluded from classification.